The following is an entry in ClinVar:

NM_198576.4(AGRN):c.5113G>A (p.Asp1705Asn)

Gene: AGRN (agrin; plus strand). Cytogenetic location: 1p36.33.
Variant type: single nucleotide variant.
Coding change: c.5113G>A on transcript NM_198576.4 (MANE Select); coding-DNA position 5113, G replaced by A.
Protein change: p.Asp1705Asn; replaces aspartic acid 1705 with asparagine.
Molecular consequence: missense variant.
Genome position (GRCh38, 1-based): chr1:1,050,563, G>A. VCF-style: chr1-1050563-G-A. GRCh37 (hg19) VCF-style: chr1-985943-G-A.
Other names: c.5113G>A, p.Asp1705Asn (NM_001305275.2); c.4798G>A, p.Asp1600Asn (NM_001364727.2); short protein forms D1600N, D1705N.
Identifiers: ClinVar variation 663472 (VCV000663472.6), dbSNP rs563299889, ClinGen allele CA509858.

ClinVar aggregate classification (germline): Uncertain significance. Review status: criteria provided, multiple submitters, no conflicts (2 of 4 stars). 3 submissions from 3 submitters: Uncertain significance (3). Last evaluated 2024-02-29.

Conditions:
Congenital myasthenic syndrome 8. Also called: Myasthenic syndrome, congenital, 8, with pre- and postsynaptic defects; MYASTHENIC SYNDROME, CONGENITAL, DUE TO AGRIN DEFICIENCY. Identifiers: Orphanet 590, MedGen C3808739, MONDO:0014052, OMIM 615120.

Allele frequency attached by ClinVar (database versions not stated): gnomAD 0.00002 and 0.00003; ExAC 0.00003; 1000 Genomes Project 30x 0.00016; 1000 Genomes Project 0.00020; TOPMed 0.00003; gnomAD exomes 0.00002.
gnomAD v4.1: 52 of 1,612,234 alleles (0.0032%); highest among the groups gnomAD compares: Admixed American, 0.01%; no homozygotes.

Submissions (3):

Revvity Omics, Revvity
Classification: Uncertain significance for Congenital myasthenic syndrome 8. Last evaluated: 2024-02-29. Review status: criteria provided, single submitter. Criteria: ACMG Guidelines, 2015. Collection method: clinical testing. Allele origin: germline.

Labcorp Genetics (formerly Invitae), Labcorp
Classification: Uncertain significance for Congenital myasthenic syndrome 8. Last evaluated: 2022-03-21. Review status: criteria provided, single submitter. Criteria: Invitae Variant Classification Sherloc (09022015). Collection method: clinical testing. Allele origin: germline.
Comment: This sequence change replaces aspartic acid, which is acidic and polar, with asparagine, which is neutral and polar, at codon 1705 of the AGRN protein (p.Asp1705Asn). This variant is present in population databases (rs563299889, gnomAD 0.003%). This variant has not been reported in the literature in individuals affected with AGRN-related conditions. ClinVar contains an entry for this variant (Variation ID: 663472). Algorithms developed to predict the effect of missense changes on protein structure and function are either unavailable or do not agree on the potential impact of this missense change (SIFT: "Deleterious"; PolyPhen-2: "Possibly Damaging"; Align-GVGD: "Class C0"). In summary, the available evidence is currently insufficient to determine the role of this variant in disease. Therefore, it has been classified as a Variant of Uncertain Significance.

Fulgent Genetics
Classification: Uncertain significance for Congenital myasthenic syndrome 8. Last evaluated: 2022-01-13. Review status: criteria provided, single submitter. Criteria: ACMG Guidelines, 2015. Collection method: clinical testing. Allele origin: unknown.